The following is an entry in ClinVar:

ClinVar aggregate classification (germline): Uncertain significance (1 of 4 stars; one submission).

Conditions:
Nemaline myopathy 2 (NEM2). Also called: Nemaline myopathy 2, autosomal recessive. Identifiers: MedGen C1850569, MONDO:0009725, OMIM 256030.

Allele frequency attached by ClinVar (database versions not stated): TOPMed below 0.00001; gnomAD 0.00001.
gnomAD v4.1: 9 of 1,613,612 alleles (0.00056%); highest among the groups gnomAD compares: Non-Finnish European, 0.00076%; no homozygotes.

Submission:

Labcorp Genetics (formerly Invitae), Labcorp
Classification: Uncertain significance for Nemaline myopathy 2. Last evaluated: 2022-05-09. Review status: criteria provided, single submitter. Criteria: Invitae Variant Classification Sherloc (09022015). Collection method: clinical testing. Allele origin: germline.
Comment: This sequence change replaces methionine, which is neutral and non-polar, with valine, which is neutral and non-polar, at codon 2119 of the NEB protein (p.Met2119Val). This variant is not present in population databases (gnomAD no frequency). This variant has not been reported in the literature in individuals affected with NEB-related conditions. Algorithms developed to predict the effect of missense changes on protein structure and function are either unavailable or do not agree on the potential impact of this missense change (SIFT: "Deleterious"; PolyPhen-2: "Not Available"; Align-GVGD: "Class C0"). In summary, the available evidence is currently insufficient to determine the role of this variant in disease. Therefore, it has been classified as a Variant of Uncertain Significance.

NM_001164508.2(NEB):c.6355A>G (p.Met2119Val)

Gene: NEB (nebulin; minus strand). Cytogenetic location: 2q23.3.
Variant type: single nucleotide variant.
Coding change: c.6355A>G on transcript NM_001164508.2 (MANE Select); coding-DNA position 6355, A replaced by G.
Protein change: p.Met2119Val; replaces methionine 2119 with valine.
Molecular consequence: missense variant.
Genome position (GRCh38, 1-based): chr2:151,656,293, T>C on the plus strand (A>G on the coding strand, the complement: NEB is on the minus strand). VCF-style: chr2-151656293-T-C. GRCh37 (hg19) VCF-style: chr2-152512807-T-C.
Other names: c.6355A>G, p.Met2119Val (NM_001164507.2, NM_001271208.2, NM_004543.5); short protein forms M2119V.
Identifiers: ClinVar variation 2040484 (VCV002040484.1), dbSNP rs2099085032, ClinGen allele CA348799239.